The following is an entry in ClinVar:

ClinVar aggregate classification (germline): Uncertain significance (1 of 4 stars; one submission).

Submission:

Labcorp Genetics (formerly Invitae), Labcorp
Classification: Uncertain significance. Last evaluated: 2022-05-30. Review status: criteria provided, single submitter. Criteria: Invitae Variant Classification Sherloc (09022015). Collection method: clinical testing. Allele origin: germline.
Comment: Algorithms developed to predict the effect of missense changes on protein structure and function (SIFT, PolyPhen-2, Align-GVGD) all suggest that this variant is likely to be disruptive. In summary, the available evidence is currently insufficient to determine the role of this variant in disease. Therefore, it has been classified as a Variant of Uncertain Significance. This variant has not been reported in the literature in individuals affected with PLK4-related conditions. This variant is not present in population databases (gnomAD no frequency). This sequence change replaces lysine, which is basic and polar, with arginine, which is basic and polar, at codon 20 of the PLK4 protein (p.Lys20Arg).

NM_014264.5(PLK4):c.59A>G (p.Lys20Arg)

Gene: PLK4 (polo like kinase 4; plus strand). Cytogenetic location: 4q28.1.
Variant type: single nucleotide variant.
Coding change: c.59A>G on transcript NM_014264.5 (MANE Select); coding-DNA position 59, A replaced by G.
Protein change: p.Lys20Arg; replaces lysine 20 with arginine.
Molecular consequence: missense variant. On other transcripts: 5 prime UTR variant (1).
Genome position (GRCh38, 1-based): chr4:127,881,859, A>G. VCF-style: chr4-127881859-A-G. GRCh37 (hg19) VCF-style: chr4-128803014-A-G.
Other names: c.59A>G, p.Lys20Arg (NM_001190799.2); c.-65A>G (NM_001190801.2); short protein forms K20R.
Identifiers: ClinVar variation 2127217 (VCV002127217.4), dbSNP rs2546006927, ClinGen allele CA358167089.